The following is an entry in ClinVar:

NM_000238.4(KCNH2):c.1060A>G (p.Ser354Gly)

Gene: KCNH2 (potassium voltage-gated channel subfamily H member 2; minus strand). Cytogenetic location: 7q36.1.
Variant type: single nucleotide variant.
Coding change: c.1060A>G on transcript NM_000238.4 (MANE Select); coding-DNA position 1060, A replaced by G.
Protein change: p.Ser354Gly; replaces serine 354 with glycine.
Molecular consequence: missense variant. On other transcripts: non-coding transcript variant (1).
Genome position (GRCh38, 1-based): chr7:150,957,359, T>C on the plus strand (A>G on the coding strand, the complement: KCNH2 is on the minus strand). VCF-style: chr7-150957359-T-C. GRCh37 (hg19) VCF-style: chr7-150654447-T-C.
Other names: c.772A>G, p.Ser258Gly (NM_001406753.1, NM_001406756.1); c.883A>G, p.Ser295Gly (NM_001406755.1); c.760A>G, p.Ser254Gly (NM_001406757.1); c.1060A>G, p.Ser354Gly (NM_172056.3); short protein forms S354G, S254G, S258G, S295G.
Identifiers: ClinVar variation 4713261 (VCV004713261.1).
Genomic context (GRCh38, chr7:150,957,359, plus strand): 5'-CCTTCTCAGTGACATTGTGGGTTCGCTCCTTTATCTTAGGTGCTATGATCTCACGGTCAC[T>C]GGTGGGCGAAGCCAAGAAGGGGTCGCCCTTGAGGTCCACAAAGTTGAGGGTGATTTGGGG-3'
Protein context (NP_000229.1, residues 344-364): KGDPFLASPT[Ser354Gly]DREIIAPKIK

ClinVar aggregate classification (germline): Uncertain significance (1 of 4 stars; one submission).

Conditions:
Long QT syndrome (LQTS). Identifiers: MedGen C0023976, MeSH D008133, MONDO:0002442. Disease mechanism: loss of function. Inheritance: Various modes of inheritance.

gnomAD v4.1: 4 of 1,613,242 alleles (0.00025%); highest among the groups gnomAD compares: African/African-American, 0.0013%; no homozygotes.

Submission:

Labcorp Genetics (formerly Invitae), Labcorp
Classification: Uncertain significance for Long QT syndrome. Last evaluated: 2025-02-17. Review status: criteria provided, single submitter. Criteria: Invitae Variant Classification Sherloc (09022015). Collection method: clinical testing. Allele origin: germline.
Comment: This sequence change replaces serine, which is neutral and polar, with glycine, which is neutral and non-polar, at codon 354 of the KCNH2 protein (p.Ser354Gly). This variant is not present in population databases (gnomAD no frequency). This variant has not been reported in the literature in individuals affected with KCNH2-related conditions. An algorithm developed to predict the effect of missense changes on protein structure and function (PolyPhen-2) suggests that this variant is likely to be tolerated. In summary, the available evidence is currently insufficient to determine the role of this variant in disease. Therefore, it has been classified as a Variant of Uncertain Significance.